The following is an entry in ClinVar:

ClinVar aggregate classification (germline): Uncertain significance. Review status: criteria provided, multiple submitters, no conflicts (2 of 4 stars). 2 submissions from 2 submitters: Uncertain significance (2). Last evaluated 2025-08-12.

Conditions:
Inborn genetic diseases. Identifiers: MedGen C0950123, MeSH D030342.

Allele frequency attached by ClinVar (database versions not stated): gnomAD 0.00001; TOPMed 0.00001.
gnomAD v4.1: 5 of 1,269,790 alleles (0.00039%); highest among the groups gnomAD compares: Non-Finnish European, 0.0004%; no homozygotes.

Submissions (2):

Ambry Genetics
Classification: Uncertain significance for Inborn genetic diseases. Last evaluated: 2025-08-12. Review status: criteria provided, single submitter. Criteria: Ambry Variant Classification Scheme 2023. Collection method: clinical testing. Allele origin: germline.

Labcorp Genetics (formerly Invitae), Labcorp
Classification: Uncertain significance. Last evaluated: 2024-02-16. Review status: criteria provided, single submitter. Criteria: Invitae Variant Classification Sherloc (09022015). Collection method: clinical testing. Allele origin: germline.
Comment: This sequence change replaces proline, which is neutral and non-polar, with alanine, which is neutral and non-polar, at codon 1095 of the GRIN2D protein (p.Pro1095Ala). The frequency data for this variant in the population databases is considered unreliable, as metrics indicate insufficient coverage at this position in the gnomAD database. This variant has not been reported in the literature in individuals affected with GRIN2D-related conditions. ClinVar contains an entry for this variant (Variation ID: 1933289). Advanced modeling of protein sequence and biophysical properties (such as structural, functional, and spatial information, amino acid conservation, physicochemical variation, residue mobility, and thermodynamic stability) performed at Invitae indicates that this missense variant is not expected to disrupt GRIN2D protein function with a negative predictive value of 95%. In summary, the available evidence is currently insufficient to determine the role of this variant in disease. Therefore, it has been classified as a Variant of Uncertain Significance.

NM_000836.4(GRIN2D):c.3283C>G (p.Pro1095Ala)

Gene: GRIN2D (glutamate ionotropic receptor NMDA type subunit 2D; plus strand). Cytogenetic location: 19q13.33.
Variant type: single nucleotide variant.
Coding change: c.3283C>G on transcript NM_000836.4 (MANE Select); coding-DNA position 3283, C replaced by G.
Protein change: p.Pro1095Ala; replaces proline 1095 with alanine.
Molecular consequence: missense variant.
Genome position (GRCh38, 1-based): chr19:48,443,209, C>G. VCF-style: chr19-48443209-C-G. GRCh37 (hg19) VCF-style: chr19-48946466-C-G.
Other names: c.3283C>G (NM_000836.2); short protein forms P1095A.
Identifiers: ClinVar variation 1933289 (VCV001933289.6), dbSNP rs1346864518, ClinGen allele CA406675350.
Genomic context (GRCh38, chr19:48,443,209, plus strand): 5'-GGCGCGGGCGGCGCGGGGGGCACGGGGGGCGCAGGCGGAGGAGCCCCGGCCGCTCCGCCC[C>G]CGTGCCGCGCCGCGCCGCCCCCGTGCCCTTACCTCGATCTCGAGCCGTCGCCGTCGGACT-3'
Protein context (NP_000827.2, residues 1085-1105): AGGGAPAAPP[Pro1095Ala]CRAAPPPCPY